The following is an entry in ClinVar:

NM_000834.5(GRIN2B):c.542A>G (p.Asp181Gly)

Gene: GRIN2B (glutamate ionotropic receptor NMDA type subunit 2B; minus strand). Cytogenetic location: 12p13.1.
Variant type: single nucleotide variant.
Coding change: c.542A>G on transcript NM_000834.5 (MANE Select); coding-DNA position 542, A replaced by G.
Protein change: p.Asp181Gly; replaces aspartic acid 181 with glycine.
Molecular consequence: missense variant.
Genome position (GRCh38, 1-based): chr12:13,753,785, T>C on the plus strand (A>G on the coding strand, the complement: GRIN2B is on the minus strand). VCF-style: chr12-13753785-T-C. GRCh37 (hg19) VCF-style: chr12-13906719-T-C.
Other names: short protein forms D181G.
Identifiers: ClinVar variation 411113 (VCV000411113.9), dbSNP rs1060503161, ClinGen allele CA16613688.
Genomic context (GRCh38, chr12:13,753,785, plus strand): 5'-TCCTCTAGCTCCCAGCCCACAAAGCTATTCTCAATGGTGCTGCGGATCTTGTTTACAAAG[T>C]CCTGGTAGCCAGGGAAATAGGTGGTGACGATAGAAAAGATGTACCAGTCATATTCTTCCA-3'
Protein context (NP_000825.2, residues 171-191): IVTTYFPGYQ[Asp181Gly]FVNKIRSTIE

ClinVar aggregate classification (germline): Uncertain significance (1 of 4 stars; one submission).

Conditions:
Intellectual developmental disorder, autosomal dominant 6, with or without seizures. Also called: GRIN2B-related developmental delay, intellectual disability and autism spectrum disorder; Intellectual disability, autosomal dominant 6. Identifiers: Orphanet 589547, MedGen C3151411, MONDO:0013509, OMIM 613970.
Developmental and epileptic encephalopathy, 27 (DEE27). Also called: Epileptic encephalopathy, early infantile, 27; GRIN2B-Related Neurodevelopmental Disorder. Identifiers: Orphanet 3451, MedGen C4015316, MONDO:0014505, OMIM 616139.

Submission:

Labcorp Genetics (formerly Invitae), Labcorp
Classification: Uncertain significance for Developmental and epileptic encephalopathy, 27; Intellectual developmental disorder, autosomal dominant 6, with or without seizures. Last evaluated: 2016-05-30. Review status: criteria provided, single submitter. Criteria: Invitae Variant Classification Sherloc (09022015). Collection method: clinical testing. Allele origin: germline.
Comment: Algorithms developed to predict the effect of missense changes on protein structure and function do not agree on the potential impact of this missense change (SIFT: "Tolerated"; PolyPhen-2: "Probably Damaging"; Align-GVGD: "Class C0"). In summary, this variant is a novel missense change with uncertain impact on protein function. It has been classified as a Variant of Uncertain Significance. This variant is not present in population databases (ExAC no frequency) and has not been reported in the literature in individuals with a GRIN2B-related disease. This sequence change replaces aspartic acid with glycine at codon 181 of the GRIN2B protein (p.Asp181Gly). The aspartic acid residue is highly conserved and there is a moderate physicochemical difference between aspartic acid and glycine.